The following is an entry in ClinVar:

NM_006766.5(KAT6A):c.5084C>A (p.Pro1695His)

Gene: KAT6A (lysine acetyltransferase 6A; minus strand). Cytogenetic location: 8p11.21.
Variant type: single nucleotide variant.
Coding change: c.5084C>A on transcript NM_006766.5 (MANE Select); coding-DNA position 5084, C replaced by A.
Protein change: p.Pro1695His; replaces proline 1695 with histidine.
Molecular consequence: missense variant.
Genome position (GRCh38, 1-based): chr8:41,933,136, G>T on the plus strand (C>A on the coding strand, the complement: KAT6A is on the minus strand). VCF-style: chr8-41933136-G-T. GRCh37 (hg19) VCF-style: chr8-41790654-G-T.
Other names: short protein forms P1695H.
Identifiers: ClinVar variation 4767396 (VCV004767396.1).

ClinVar aggregate classification (germline): Uncertain significance (1 of 4 stars; one submission).

gnomAD v4.1: 2 of 1,606,686 alleles (0.00012%); highest among the groups gnomAD compares: South Asian, 0.0011%; no homozygotes.

Submission:

Labcorp Genetics (formerly Invitae), Labcorp
Classification: Uncertain significance. Last evaluated: 2025-12-30. Review status: criteria provided, single submitter. Criteria: Invitae Variant Classification Sherloc (09022015). Collection method: clinical testing. Allele origin: germline.
Comment: This sequence change replaces proline, which is neutral and non-polar, with histidine, which is basic and polar, at codon 1695 of the KAT6A protein (p.Pro1695His). This variant is not present in population databases (gnomAD no frequency). This variant has not been reported in the literature in individuals affected with KAT6A-related conditions. Invitae Evidence Modeling of protein sequence and biophysical properties (such as structural, functional, and spatial information, amino acid conservation, physicochemical variation, residue mobility, and thermodynamic stability) indicates that this missense variant is not expected to disrupt KAT6A protein function with a negative predictive value of 95%. In summary, the available evidence is currently insufficient to determine the role of this variant in disease. Therefore, it has been classified as a Variant of Uncertain Significance.